The following is an entry in ClinVar:

ClinVar aggregate classification (germline): Uncertain significance (1 of 4 stars; one submission).

Conditions:
Long QT syndrome (LQTS). Identifiers: MedGen C0023976, MeSH D008133, MONDO:0002442. Disease mechanism: loss of function. Inheritance: Various modes of inheritance.

gnomAD v4.1: 1 of 1,612,806 alleles (0.000062%); no homozygotes.

Submission:

Labcorp Genetics (formerly Invitae), Labcorp
Classification: Uncertain significance for Long QT syndrome. Last evaluated: 2024-04-04. Review status: criteria provided, single submitter. Criteria: Invitae Variant Classification Sherloc (09022015). Collection method: clinical testing. Allele origin: germline.
Comment: This sequence change falls in intron 5 of the KCNH2 gene. It does not directly change the encoded amino acid sequence of the KCNH2 protein. It affects a nucleotide within the consensus splice site. This variant is not present in population databases (gnomAD no frequency). This variant has not been reported in the literature in individuals affected with KCNH2-related conditions. Variants that disrupt the consensus splice site are a relatively common cause of aberrant splicing (PMID: 17576681, 9536098). Algorithms developed to predict the effect of sequence changes on RNA splicing suggest that this variant is not likely to affect RNA splicing. In summary, the available evidence is currently insufficient to determine the role of this variant in disease. Therefore, it has been classified as a Variant of Uncertain Significance.

Literature cited by the submitters: PubMed 17576681; PubMed 9536098.

NM_000238.4(KCNH2):c.1129-3C>T

Gene: KCNH2 (potassium voltage-gated channel subfamily H member 2; minus strand). Cytogenetic location: 7q36.1.
Variant type: single nucleotide variant.
Coding change: c.1129-3C>T on transcript NM_000238.4 (MANE Select); 3 bases into the intron before coding-DNA position 1129, C replaced by T.
Molecular consequence: intron variant.
Genome position (GRCh38, 1-based): chr7:150,952,856, G>A on the plus strand (C>T on the coding strand, the complement: KCNH2 is on the minus strand). VCF-style: chr7-150952856-G-A. GRCh37 (hg19) VCF-style: chr7-150649944-G-A.
Other names: c.109-3C>T (NM_172057.3, NM_001204798.2); c.1129-3C>T (NM_172056.3); c.952-3C>T (NM_001406755.1); c.829-3C>T (NM_001406757.1); c.841-3C>T (NM_001406756.1, NM_001406753.1).
Identifiers: ClinVar variation 3641003 (VCV003641003.2).